The following is an entry in ClinVar:

ClinVar aggregate classification (somatic clinical impact): Tier II - Potential (1 of 4 stars; one submission).

Conditions:
Embryonal neoplasm. Identifiers: MedGen C0027654, MONDO:0005564, HP:0002898.

Submission:

Institute for Genomic Medicine (IGM) Clinical Laboratory, Nationwide Children's Hospital
Classification: Tier II - Potential for Embryonal neoplasm. Assertion type: diagnostic. Clinical significance: supports diagnosis. Last evaluated: 2022-12-21. Review status: criteria provided, single submitter. Criteria: AMP/ASCO/CAP Guidelines, 2017. Collection method: clinical testing. Allele origin: somatic. Affected: yes.
Comment: Variant has Tier II (potential) clinical significance as a diagnostic inclusion criterion in embryonal neoplasm, based on the following evidence: 1) Assists in diagnosis alone or along with other biomarkers based on small studies or few case reports (Evidence Level D; PMIDs: 26384299, 32111729).

Literature cited by the submitters: PubMed 26384299; PubMed 32111729.

NM_006015.6(ARID1A):c.6041T>G (p.Leu2014Arg)

Gene: ARID1A (AT-rich interaction domain 1A; plus strand). Cytogenetic location: 1p36.11.
Variant type: single nucleotide variant.
Coding change: c.6041T>G on transcript NM_006015.6 (MANE Select); coding-DNA position 6041, T replaced by G.
Protein change: p.Leu2014Arg; replaces leucine 2014 with arginine.
Molecular consequence: missense variant.
Genome position (GRCh38, 1-based): chr1:26,779,939, T>G. VCF-style: chr1-26779939-T-G. GRCh37 (hg19) VCF-style: chr1-27106430-T-G.
Other names: c.5390T>G, p.Leu1797Arg (NM_139135.4); short protein forms L1797R, L2014R.
Identifiers: ClinVar variation 4530195 (VCV004530195.1).